The following is an entry in ClinVar:

NM_017950.4(CCDC40):c.2741T>G (p.Ile914Ser)

Gene: CCDC40 (coiled-coil domain 40 molecular ruler complex subunit; plus strand). Cytogenetic location: 17q25.3.
Variant type: single nucleotide variant.
Coding change: c.2741T>G on transcript NM_017950.4 (MANE Select); coding-DNA position 2741, T replaced by G.
Protein change: p.Ile914Ser; replaces isoleucine 914 with serine.
Molecular consequence: missense variant.
Genome position (GRCh38, 1-based): chr17:80,089,793, T>G. VCF-style: chr17-80089793-T-G. GRCh37 (hg19) VCF-style: chr17-78063592-T-G.
Other names: c.2741T>G, p.Ile914Ser (NM_001243342.2); short protein forms I914S.
Identifiers: ClinVar variation 3486702 (VCV003486702.1).

ClinVar aggregate classification (germline): Uncertain significance (1 of 4 stars; one submission).

Conditions:
Primary ciliary dyskinesia. Also called: Ciliary dyskinesia. Identifiers: Orphanet 244, MedGen C0008780, MONDO:0016575, HP:0012265.

Submission:

Ambry Genetics
Classification: Uncertain significance for Primary ciliary dyskinesia. Last evaluated: 2024-08-19. Review status: criteria provided, single submitter. Criteria: Ambry Variant Classification Scheme 2023. Collection method: clinical testing. Allele origin: germline.
Comment: The p.I914S variant (also known as c.2741T>G), located in coding exon 17 of the CCDC40 gene, results from a T to G substitution at nucleotide position 2741. The isoleucine at codon 914 is replaced by serine, an amino acid with dissimilar properties. This amino acid position is conserved. In addition, the in silico prediction for this alteration is inconclusive. Based on the available evidence, the clinical significance of this variant remains unclear.